The following is an entry in ClinVar:

ClinVar aggregate classification (germline): Uncertain significance. Review status: criteria provided, multiple submitters, no conflicts (2 of 4 stars). 2 submissions from 2 submitters: Uncertain significance (2). Last evaluated 2026-07-08.

Conditions:
BLOC1S3-related disorder. Also called: BLOC1S3-related condition.

gnomAD v4.1: 10 of 1,604,240 alleles (0.00062%); highest among the groups gnomAD compares: Middle Eastern, 0.017%; no homozygotes.

Submissions (2):

PreventionGenetics, part of Exact Sciences
Classification: Uncertain significance for BLOC1S3-related condition. Last evaluated: 2026-07-08. Review status: criteria provided, single submitter. Criteria: ACMG Guidelines, 2015. Collection method: clinical testing. Allele origin: germline.
Comment: The BLOC1S3 c.512C>T variant is predicted to result in the amino acid substitution p.Ala171Val. To our knowledge, this variant has not been reported in the literature. This variant is reported in 0.0059% of alleles in individuals of East Asian descent in gnomAD and is classified as uncertain in ClinVar (Variation ID: 2090084). At this time, the clinical significance of this variant is uncertain due to the absence of conclusive functional and genetic evidence.

Labcorp Genetics (formerly Invitae), Labcorp
Classification: Uncertain significance. Last evaluated: 2022-03-08. Review status: criteria provided, single submitter. Criteria: Invitae Variant Classification Sherloc (09022015). Collection method: clinical testing. Allele origin: germline.
Comment: This sequence change replaces alanine, which is neutral and non-polar, with valine, which is neutral and non-polar, at codon 171 of the BLOC1S3 protein (p.Ala171Val). The frequency data for this variant in the population databases is considered unreliable, as metrics indicate poor data quality at this position in the gnomAD database. This variant has not been reported in the literature in individuals affected with BLOC1S3-related conditions. Algorithms developed to predict the effect of missense changes on protein structure and function are either unavailable or do not agree on the potential impact of this missense change (SIFT: "Deleterious"; PolyPhen-2: "Possibly Damaging"; Align-GVGD: "Class C0"). In summary, the available evidence is currently insufficient to determine the role of this variant in disease. Therefore, it has been classified as a Variant of Uncertain Significance.

NM_212550.5(BLOC1S3):c.512C>T (p.Ala171Val)

Gene: BLOC1S3 (biogenesis of lysosomal organelles complex 1 subunit 3; plus strand). Cytogenetic location: 19q13.32.
Variant type: single nucleotide variant.
Coding change: c.512C>T on transcript NM_212550.5 (MANE Select); coding-DNA position 512, C replaced by T.
Protein change: p.Ala171Val; replaces alanine 171 with valine.
Molecular consequence: missense variant.
Genome position (GRCh38, 1-based): chr19:45,179,808, C>T. VCF-style: chr19-45179808-C-T. GRCh37 (hg19) VCF-style: chr19-45683066-C-T.
Other names: short protein forms A171V.
Identifiers: ClinVar variation 2090084 (VCV002090084.4), dbSNP rs778521433, ClinGen allele CA406344955.
Genomic context (GRCh38, chr19:45,179,808, plus strand): 5'-CGGCGGGGCTGGCGGCGGCCCACAGCGTGCGCCTGGCGCGCGGGGACCTTTGTGCGCTGG[C>T]CGAGCGTCTGGACATCGTGGCTGGCTGCCGCCTGCTGCCGGACATCCGCGGCGTGCCAGG-3'
Protein context (NP_997715.1, residues 161-181): RLARGDLCAL[Ala171Val]ERLDIVAGCR